The following is an entry in ClinVar:

NM_000218.3(KCNQ1):c.1514+37405_1514+37432dup

Genes: KCNQ1 (potassium voltage-gated channel subfamily Q member 1; plus strand), KCNQ1OT1 (KCNQ1 opposite strand/antisense transcript 1; minus strand). Cytogenetic location: 11p15.5.
Variant type: Duplication.
Coding change: c.1514+37405_1514+37432dup on transcript NM_000218.3 (MANE Select); bases 37405 to 37432 of the intron after coding-DNA position 1514, 28 bases duplicated (GGGGAGAGTGCCGCGCTGAGGAGCCCCC).
Molecular consequence: intron variant. On other transcripts: non-coding transcript variant (1).
Genome position (GRCh38, 1-based): chr11:2,699,486-2,699,513, GGGGAGAGTGCCGCGCTGAGGAGCCCCC duplicated; duplicating any 28 consecutive bases within chr11:2,699,459-2,699,513 gives the same sequence; the c. name uses the placement nearest the transcript's 3' end. VCF-style (leftmost placement, unchanged base first): chr11-2699458-C-CGGGAGAGTGCCGCGCTGAGGAGCCCCCG. GRCh37 (hg19) VCF-style: chr11-2720688-C-CGGGAGAGTGCCGCGCTGAGGAGCCCCCG.
Other names: c.1244+37405_1244+37432dup (NM_001406837.1); c.1418+37405_1418+37432dup (NM_001406836.1); c.974+37405_974+37432dup (NM_001406838.1); c.1133+37405_1133+37432dup (NM_181798.2).
Identifiers: ClinVar variation 4987089 (VCV004987089.1).

ClinVar aggregate classification (germline): Likely benign (1 of 4 stars; one submission).

Conditions:
KCNQ1-related disorder. Also called: KCNQ1-related disorders; KCNQ1-related condition. Identifiers: MedGen CN239322.

Submission:

PreventionGenetics, part of Exact Sciences
Classification: Likely benign for KCNQ1-related condition. Last evaluated: 2025-06-12. Review status: criteria provided, single submitter. Criteria: ACMG Guidelines, 2015. Collection method: clinical testing. Allele origin: germline.
Comment: This variant is classified as likely benign based on ACMG/AMP sequence variant interpretation guidelines (Richards et al. 2015 PMID: 25741868, with internal and published modifications).